The following is an entry in ClinVar:

NM_138694.4(PKHD1):c.5825A>G (p.Asp1942Gly)

Gene: PKHD1 (PKHD1 ciliary IPT domain containing fibrocystin/polyductin; minus strand). Cytogenetic location: 6p12.2.
Variant type: single nucleotide variant.
Coding change: c.5825A>G on transcript NM_138694.4 (MANE Select); coding-DNA position 5825, A replaced by G.
Protein change: p.Asp1942Gly; replaces aspartic acid 1942 with glycine.
Molecular consequence: missense variant.
Genome position (GRCh38, 1-based): chr6:51,959,953, T>C on the plus strand (A>G on the coding strand, the complement: PKHD1 is on the minus strand). VCF-style: chr6-51959953-T-C. GRCh37 (hg19) VCF-style: chr6-51824751-T-C.
Other names: c.5825A>G, p.Asp1942Gly (NM_170724.3); short protein forms D1942G.
Identifiers: ClinVar variation 434018 (VCV000434018.15), dbSNP rs1210846081, ClinGen allele CA364421541.

ClinVar aggregate classification (germline): Pathogenic/Likely pathogenic. Review status: criteria provided, multiple submitters, no conflicts (2 of 4 stars). 7 submissions from 7 submitters: Pathogenic (3); Likely pathogenic (2). 2 of the submissions do not count toward it. Last evaluated 2024-09-30.

Conditions:
Polycystic kidney disease 4 (PKD4). Also called: PKD3; POLYCYSTIC KIDNEY DISEASE 4 WITH OR WITHOUT POLYCYSTIC LIVER DISEASE; POLYCYSTIC KIDNEY AND HEPATIC DISEASE 1; POLYCYSTIC KIDNEY DISEASE, INFANTILE, TYPE I; Autosomal Recessive Polycystic Kidney Disease – PKHD1. Identifiers: MedGen C4540575, MONDO:0033004, OMIM 263200.
Polycystic kidney disease. Also called: Kidney, Polycystic; Polycystic kidney dysplasia. Identifiers: MedGen C0022680, MeSH D007690, MONDO:0020642, HP:0000113.
Autosomal recessive polycystic kidney disease (ARPKD). Also called: AR polycystic kidney disease. Identifiers: Orphanet 731, Orphanet 8378, MedGen C0085548, MeSH D017044, MONDO:0009889.

Allele frequency attached by ClinVar (database versions not stated): TOPMed 0.00001; gnomAD exomes 0.00004.
gnomAD v4.1: 62 of 1,613,566 alleles (0.0038%); highest among the groups gnomAD compares: Non-Finnish European, 0.0053%; no homozygotes.

Submissions (7):

Revvity Omics, Revvity
Classification: Likely pathogenic for Polycystic kidney disease 4. Last evaluated: 2024-09-30. Review status: criteria provided, single submitter. Criteria: ACMG Guidelines, 2015. Collection method: clinical testing. Allele origin: germline.

Labcorp Genetics (formerly Invitae), Labcorp
Classification: Pathogenic for Autosomal recessive polycystic kidney disease. Last evaluated: 2022-04-08. Review status: criteria provided, single submitter. Criteria: Invitae Variant Classification Sherloc (09022015). Collection method: clinical testing. Allele origin: germline.
Comment: This sequence change replaces aspartic acid, which is acidic and polar, with glycine, which is neutral and non-polar, at codon 1942 of the PKHD1 protein (p.Asp1942Gly). This variant is not present in population databases (gnomAD no frequency). This missense change has been observed in individual(s) with polycystic kidney disease (PMID: 12846734, 12874454). In at least one individual the data is consistent with being in trans (on the opposite chromosome) from a pathogenic variant. ClinVar contains an entry for this variant (Variation ID: 434018). Advanced modeling of protein sequence and biophysical properties (such as structural, functional, and spatial information, amino acid conservation, physicochemical variation, residue mobility, and thermodynamic stability) performed at Invitae indicates that this missense variant is expected to disrupt PKHD1 protein function. For these reasons, this variant has been classified as Pathogenic.

Baylor Genetics
Classification: Pathogenic for Polycystic kidney disease 4. Last evaluated: 2021-11-16. Review status: criteria provided, single submitter. Criteria: ACMG Guidelines, 2015. Collection method: clinical testing. Allele origin: unknown.

Fulgent Genetics
Classification: Likely pathogenic for Polycystic kidney disease 4. Last evaluated: 2021-10-22. Review status: criteria provided, single submitter. Criteria: ACMG Guidelines, 2015. Collection method: clinical testing. Allele origin: unknown.

Clinical Genetics Service, Universitary Hospital 12 de Octubre
Classification: Pathogenic for Polycystic kidney disease 4. Review status: criteria provided, single submitter. Criteria: ACMG Guidelines, 2015. Collection method: clinical testing. Allele origin: paternal. Affected: yes.

Counsyl
Classification: Likely pathogenic for Polycystic kidney disease 4. Last evaluated: 2017-11-07. Review status: no assertion criteria provided. Collection method: clinical testing. Allele origin: unknown. Not counted in ClinVar's aggregate classification.

Department of Pathology and Laboratory Medicine, Sinai Health System
Classification: Pathogenic for Polycystic Kidney disease. Review status: no assertion criteria provided. Collection method: clinical testing. Allele origin: unknown. Affected: yes. Study: The Canadian Open Genetics Repository (COGR). Not counted in ClinVar's aggregate classification.
Comment: The PKHD1 p.Asp1942Gly variant was identified in 3 of 560 proband chromosomes (one homozygous individual) (frequency: 0.013) from unrelated Spanish, American and British individuals or families with ARPKD and was not identified in 620 control chromosomes from healthy individuals (Furu 2004, Sharp 2005, Rosetti 2003, Adeva 2006). Adeva et al (2006) identified the variant in both of the unrelated parents of an affected child who with neonatal demise. A novel protein domain, G8, was identified, that contains 8 conserved glycine residues in which missense variants (p.Asp1942Gly included) reported to be associated with ARPKD disease are localized in (He 2004). The variant was identified in RWTH AAachen University ARPKD database (classification pathogenic) and PKHD1-LOVD (unclassified); and was not identified in dbSNP, Clinvitae database, the ClinVar database, GeneInsight COGR database, 1000 Genomes Project, NHLBI GO Exome Sequencing Project, and the Exome Aggregation Consortium database (March 14, 2016). The p.Asp1942 residue is not conserved across mammals, however 4 of 5 computational analyses (PolyPhen-2, SIFT, AlignGVGD, BLOSUM, MutationTaster) suggest that the variant may impact the protein; this information is not predictive enough to assume pathogenicity. The variant occurs outside of the splicing consensus sequence and 2 of 5 in silico or computational prediction software programs (SpliceSiteFinder, MaxEntScan, NNSPLICE, GeneSplicer, HumanSpliceFinder) predict a greater than 10% difference in splicing. In summary, based on the above information, this variant meets our laboratoryâ€šÃ„Ã´s criteria to be classified as pathogenic.

Literature cited by the submitters: PubMed 12846734 (cited by Labcorp Genetics (formerly Invitae), Labcorp and Counsyl); PubMed 12874454 (cited by Labcorp Genetics (formerly Invitae), Labcorp and Counsyl); PubMed 16523049 (cited by Counsyl); PubMed 16632497 (cited by Counsyl); PubMed 15805161 (cited by Counsyl).